The following is an entry in ClinVar:

ClinVar aggregate classification (germline): Pathogenic (1 of 4 stars; one submission).

Submission:

Labcorp Genetics (formerly Invitae), Labcorp
Classification: Pathogenic. Last evaluated: 2021-04-27. Review status: criteria provided, single submitter. Criteria: Invitae Variant Classification Sherloc (09022015). Collection method: clinical testing. Allele origin: germline.
Comment: This sequence change creates a premature translational stop signal (p.Tyr1399*) in the PCDH15 gene. It is expected to result in an absent or disrupted protein product. Loss-of-function variants in PCDH15 are known to be pathogenic (PMID: 11398101, 11487575, 14570705). For these reasons, this variant has been classified as Pathogenic. This variant has not been reported in the literature in individuals with PCDH15-related conditions. This variant is not present in population databases (ExAC no frequency).

Literature cited by the submitters: PubMed 11398101; PubMed 11487575; PubMed 14570705.

NM_001384140.1(PCDH15):c.4197C>G (p.Tyr1399Ter)

Gene: PCDH15 (protocadherin related 15; minus strand). Cytogenetic location: 10q21.1.
Variant type: single nucleotide variant.
Coding change: c.4197C>G on transcript NM_001384140.1 (MANE Select); coding-DNA position 4197, C replaced by G.
Protein change: p.Tyr1399Ter; replaces tyrosine 1399 with a stop codon.
Molecular consequence: nonsense.
Genome position (GRCh38, 1-based): chr10:53,831,320, G>C on the plus strand (C>G on the coding strand, the complement: PCDH15 is on the minus strand). VCF-style: chr10-53831320-G-C. GRCh37 (hg19) VCF-style: chr10-55591080-G-C.
Other names: c.4212C>G, p.Tyr1404Ter (NM_001142763.2, NM_001142771.2); c.4197C>G, p.Tyr1399Ter (NM_001142764.2, NM_001142766.2, NM_001142770.3 and 4 more transcripts); c.3984C>G, p.Tyr1328Ter (NM_001142765.2); c.4086C>G, p.Tyr1362Ter (NM_001142767.2); c.4131C>G, p.Tyr1377Ter (NM_001142768.2, NM_001142773.2, NM_001354404.2); c.4233C>G, p.Tyr1411Ter (NM_001142769.4); c.4218C>G, p.Tyr1406Ter (NM_001354411.2); short protein forms Y1404*, Y1406*, Y1411*, Y1328*, Y1377*, Y1362*, Y1399*.
Identifiers: ClinVar variation 1436182 (VCV001436182.6), dbSNP rs2132634562, ClinGen allele CA376528177.